The following is an entry in ClinVar:

NM_004168.4(SDHA):c.1794G>A (p.Lys598=)

Gene: SDHA (succinate dehydrogenase complex flavoprotein subunit A; plus strand). Cytogenetic location: 5p15.33.
Variant type: single nucleotide variant.
Coding change: c.1794G>A on transcript NM_004168.4 (MANE Select); coding-DNA position 1794, G replaced by A.
Protein change: p.Lys598=; no amino-acid change (lysine 598 retained).
Molecular consequence: synonymous variant. On other transcripts: intron variant (1).
Genome position (GRCh38, 1-based): chr5:251,468, G>A. VCF-style: chr5-251468-G-A. GRCh37 (hg19) VCF-style: chr5-251583-G-A.
Other names: c.1794G>A (NM_004168.2); c.1650G>A, p.Lys550= (NM_001294332.2); c.1552-2925G>A (NM_001330758.2).
Identifiers: ClinVar variation 472359 (VCV000472359.8), dbSNP rs1554001975, ClinGen allele CA442657923.

ClinVar aggregate classification (germline): Uncertain significance. Review status: criteria provided, multiple submitters, no conflicts (2 of 4 stars). 2 submissions from 2 submitters: Uncertain significance (2). Last evaluated 2025-06-09.

Conditions:
Mitochondrial complex II deficiency, nuclear type 1. Also called: SUCCINATE CoQ REDUCTASE DEFICIENCY. Identifiers: Orphanet 3208, MedGen C5700310, MONDO:0100294, OMIM 252011.
Pheochromocytoma/paraganglioma syndrome 5. Also called: Paragangliomas 5; SDHA-Related Hereditary Paraganglioma-Pheochromocytoma Syndrome. Identifiers: Orphanet 29072, MedGen C3279992, MONDO:0013602, OMIM 614165.
Hereditary cancer-predisposing syndrome. Also called: Neoplastic Syndromes, Hereditary; Hereditary Cancer Syndrome; Hereditary neoplastic syndrome; Tumor predisposition. Identifiers: Orphanet 140162, MedGen C0027672, MeSH D009386, MONDO:0015356.

gnomAD v4.1: 1 of 1,613,984 alleles (0.000062%); no homozygotes.

Submissions (2):

Ambry Genetics
Classification: Uncertain significance for Hereditary cancer-predisposing syndrome. Last evaluated: 2025-06-09. Review status: criteria provided, single submitter. Criteria: Ambry Variant Classification Scheme 2023. Collection method: clinical testing. Allele origin: germline.
Comment: The c.1794G>A variant (also known as p.K598K), located in coding exon 13 of the SDHA gene, results from a G to A substitution at nucleotide position 1794. This nucleotide substitution does not change the Lysine at codon 598. However, this change occurs in the last base pair of coding exon 13, which makes it likely to have some effect on normal mRNA splicing. This nucleotide position is well conserved in available vertebrate species. In silico splice site analysis predicts that this alteration may weaken the native splice donor site and may result in the creation or strengthening of a novel splice donor site; however, direct evidence is insufficient at this time (Ambry internal data). Based on the available evidence, the clinical significance of this variant remains unclear.

Labcorp Genetics (formerly Invitae), Labcorp
Classification: Uncertain significance for Pheochromocytoma/paraganglioma syndrome 5; Mitochondrial complex II deficiency, nuclear type 1. Last evaluated: 2019-11-11. Review status: criteria provided, single submitter. Criteria: Invitae Variant Classification Sherloc (09022015). Collection method: clinical testing. Allele origin: germline.
Comment: This sequence change affects codon 598 of the SDHA mRNA. It is a 'silent' change, meaning that it does not change the encoded amino acid sequence of the SDHA protein. This variant also falls at the last nucleotide of exon 13 of the SDHA coding sequence, which is part of the consensus splice site for this exon. In summary, this is a novel silent change with uncertain impact on splicing. It has been classified as a Variant of Uncertain Significance. Algorithms developed to predict the effect of sequence changes on RNA splicing suggest that this variant may alter RNA splicing, but this prediction has not been confirmed by published transcriptional studies. This variant is not present in population databases (ExAC no frequency) and has not been reported in the literature in individuals with an SDHA-related disease.